The following is an entry in ClinVar:

ClinVar aggregate classification (germline): Uncertain significance (1 of 4 stars; one submission).

Conditions:
Myopathy, proximal, and ophthalmoplegia (CMYO6). Also called: MYOPATHY WITH CONGENITAL JOINT CONTRACTURES, OPHTHALMOPLEGIA, AND RIMMED VACUOLES; INCLUSION BODY MYOPATHY 3, AUTOSOMAL DOMINANT; CONGENITAL MYOPATHY 6 WITH OPHTHALMOPLEGIA. Identifiers: Orphanet 363677, Orphanet 79091, MedGen C1854106, MONDO:0011577, OMIM 605637.

Allele frequency attached by ClinVar (database versions not stated): gnomAD 0.00007.
gnomAD v4.1: 17 of 1,613,310 alleles (0.0011%); highest among the groups gnomAD compares: African/African-American, 0.023%; no homozygotes.

Submission:

Labcorp Genetics (formerly Invitae), Labcorp
Classification: Uncertain significance for Myopathy, proximal, and ophthalmoplegia. Last evaluated: 2025-12-12. Review status: criteria provided, single submitter. Criteria: Invitae Variant Classification Sherloc (09022015). Collection method: clinical testing. Allele origin: germline.
Comment: This sequence change replaces leucine, which is neutral and non-polar, with valine, which is neutral and non-polar, at codon 1729 of the MYH2 protein (p.Leu1729Val). This variant is present in population databases (rs762078494, gnomAD 0.02%). This variant has not been reported in the literature in individuals affected with MYH2-related conditions. ClinVar contains an entry for this variant (Variation ID: 2759653). Invitae Evidence Modeling of protein sequence and biophysical properties (such as structural, functional, and spatial information, amino acid conservation, physicochemical variation, residue mobility, and thermodynamic stability) indicates that this missense variant is not expected to disrupt MYH2 protein function with a negative predictive value of 80%. In summary, the available evidence is currently insufficient to determine the role of this variant in disease. Therefore, it has been classified as a Variant of Uncertain Significance.

NM_017534.6(MYH2):c.5185C>G (p.Leu1729Val)

Genes: MYHAS (myosin heavy chain gene cluster antisense RNA; plus strand), MYH2 (myosin heavy chain 2; minus strand). Cytogenetic location: 17p13.1.
Variant type: single nucleotide variant.
Coding change: c.5185C>G on transcript NM_017534.6 (MANE Select); coding-DNA position 5185, C replaced by G.
Protein change: p.Leu1729Val; replaces leucine 1729 with valine.
Molecular consequence: missense variant.
Genome position (GRCh38, 1-based): chr17:10,523,875, G>C on the plus strand (C>G on the coding strand, the complement: MYH2 is on the minus strand). VCF-style: chr17-10523875-G-C. GRCh37 (hg19) VCF-style: chr17-10427192-G-C.
Other names: c.5185C>G, p.Leu1729Val (NM_001100112.2); short protein forms L1729V.
Identifiers: ClinVar variation 2759653 (VCV002759653.3), dbSNP rs762078494, ClinGen allele CA8390458.
Genomic context (GRCh38, chr17:10,523,875, plus strand): 5'-CCTCCATCTCTCCTTGCATTTGGGAAATATCTGTCTCCAGCTTCTTCTTGGTGTTGATCA[G>C]GCTGGTGTTCTGTTTAAAAAGAATTTGTACATTTAAAAAATTGTGTTACCAAAGTATTTA-3'
Protein context (NP_060004.3, residues 1719-1739): VQLLHTQNTS[Leu1729Val]INTKKKLETD